The following is an entry in ClinVar:

NM_014112.5(TRPS1):c.202A>G (p.Asn68Asp)

Gene: TRPS1 (transcriptional repressor GATA binding 1; minus strand). Cytogenetic location: 8q23.3.
Variant type: single nucleotide variant.
Coding change: c.202A>G on transcript NM_014112.5 (MANE Select); coding-DNA position 202, A replaced by G.
Protein change: p.Asn68Asp; replaces asparagine 68 with aspartic acid.
Molecular consequence: missense variant.
Genome position (GRCh38, 1-based): chr8:115,619,896, T>C on the plus strand (A>G on the coding strand, the complement: TRPS1 is on the minus strand). VCF-style: chr8-115619896-T-C. GRCh37 (hg19) VCF-style: chr8-116632123-T-C.
Other names: c.175A>G, p.Asn59Asp (NM_001282902.3); c.181A>G, p.Asn61Asp (NM_001282903.3); c.163A>G, p.Asn55Asp (NM_001330599.2); short protein forms N55D, N59D, N61D, N68D.
Identifiers: ClinVar variation 3758642 (VCV003758642.2).
Genomic context (GRCh38, chr8:115,619,896, plus strand): 5'-AGTCCTTCTTACTGCTAGAAGATGGATCTTGAACATGCAAGCTATGTTCCTCCTTATGAT[T>C]TAGTTCTGCAGCATCACTCTGATCCGTATTTTCTGACATCTGATCTGCAGAAAATTCTTT-3'
Protein context (NP_054831.2, residues 58-78): NTDQSDAAEL[Asn68Asp]HKEEHSLHVQ

ClinVar aggregate classification (germline): Uncertain significance (1 of 4 stars; one submission).

Conditions:
Trichorhinophalangeal dysplasia type I (TRPS1). Also called: TRICHORHINOPHALANGEAL SYNDROME, TYPE I; TRPS I. Identifiers: Orphanet 77258, MedGen C0432233, MONDO:0008596, OMIM 190350.
Trichorhinophalangeal syndrome, type III (TRPS3). Also called: SUGIO-KAJII SYNDROME. Identifiers: Orphanet 77258, MedGen C1860823, OMIM 190351, MONDO:0008597.

Submission:

Labcorp Genetics (formerly Invitae), Labcorp
Classification: Uncertain significance for Trichorhinophalangeal syndrome, type III; Trichorhinophalangeal dysplasia type I. Last evaluated: 2024-12-31. Review status: criteria provided, single submitter. Criteria: Invitae Variant Classification Sherloc (09022015). Collection method: clinical testing. Allele origin: germline.
Comment: This sequence change replaces asparagine, which is neutral and polar, with aspartic acid, which is acidic and polar, at codon 68 of the TRPS1 protein (p.Asn68Asp). This variant is not present in population databases (gnomAD no frequency). This variant has not been reported in the literature in individuals affected with TRPS1-related conditions. Invitae Evidence Modeling of protein sequence and biophysical properties (such as structural, functional, and spatial information, amino acid conservation, physicochemical variation, residue mobility, and thermodynamic stability) indicates that this missense variant is not expected to disrupt TRPS1 protein function with a negative predictive value of 80%. In summary, the available evidence is currently insufficient to determine the role of this variant in disease. Therefore, it has been classified as a Variant of Uncertain Significance.